The following is an entry in ClinVar:

ClinVar aggregate classification (germline): Conflicting classifications of pathogenicity. Review status: criteria provided, conflicting classifications (1 of 4 stars). 6 submissions from 6 submitters: Uncertain significance (4); Benign (1); Likely benign (1). Last evaluated 2026-04-27.

Conditions:
Kabuki syndrome. Also called: Kabuki make-up syndrome; NIIKAWA-KUROKI SYNDROME. Identifiers: Orphanet 2322, MedGen C0796004, MONDO:0016512.
KMT2D-related disorder. Also called: KMT2D-Related Disorders.

Allele frequency attached by ClinVar (database versions not stated): gnomAD exomes 0.00001 and 0.00003; ExAC 0.00004; gnomAD 0.00018 and 0.00019; 1000 Genomes Project 30x 0.00031; TOPMed 0.00035; 1000 Genomes Project 0.00040.
gnomAD v4.1: 56 of 1,613,914 alleles (0.0035%); highest among the groups gnomAD compares: Admixed American, 0.062%; no homozygotes.

Submissions (6):

PreventionGenetics, part of Exact Sciences
Classification: Uncertain significance for KMT2D-related condition. Last evaluated: 2026-04-27. Review status: criteria provided, single submitter. Criteria: ACMG Guidelines, 2015. Collection method: clinical testing. Allele origin: germline.
Comment: The KMT2D c.14413G>A variant is predicted to result in the amino acid substitution p.Glu4805Lys. To our knowledge, this variant has not been reported in the literature. This variant is reported in 0.014% of alleles in individuals of Latino descent in gnomAD. Although we suspect that this variant may be benign, at this time, the clinical significance of this variant is uncertain due to the absence of conclusive functional and genetic evidence.

Labcorp Genetics (formerly Invitae), Labcorp
Classification: Benign for Kabuki syndrome. Last evaluated: 2026-01-28. Review status: criteria provided, single submitter. Criteria: Invitae Variant Classification Sherloc (09022015). Collection method: clinical testing. Allele origin: germline.

Women's Health and Genetics/Laboratory Corporation of America, LabCorp
Classification: Uncertain significance. Last evaluated: 2025-02-24. Review status: criteria provided, single submitter. Criteria: LabCorp Variant Classification Summary - May 2015. Collection method: clinical testing. Allele origin: germline.
Comment: Variant summary: KMT2D c.14413G>A (p.Glu4805Lys) results in a conservative amino acid change in the encoded protein sequence. Three of four in-silico tools predict a benign effect of the variant on protein function. The variant allele was found at a frequency of 2.8e-05 in 249130 control chromosomes. The available data on variant occurrences in the general population are insufficient to allow any conclusion about variant significance. To our knowledge, no occurrence of c.14413G>A in individuals affected with Kabuki Syndrome 1 and no experimental evidence demonstrating its impact on protein function have been reported. ClinVar contains an entry for this variant (Variation ID: 805009). Based on the evidence outlined above, the variant was classified as uncertain significance.

Blueprint Genetics
Classification: Uncertain significance. Last evaluated: 2022-06-09. Review status: criteria provided, single submitter. Criteria: ACMG Guidelines, 2015. Collection method: clinical testing. Allele origin: germline.

GeneDx
Classification: Likely benign. Last evaluated: 2021-05-13. Review status: criteria provided, single submitter. Criteria: GeneDx Variant Classification Process June 2021. Collection method: clinical testing. Allele origin: germline. Affected: yes.

Athena Diagnostics
Classification: Uncertain significance. Last evaluated: 2019-03-05. Review status: criteria provided, single submitter. Criteria: Athena Diagnostics Criteria. Collection method: clinical testing. Allele origin: germline.

NM_003482.4(KMT2D):c.14413G>A (p.Glu4805Lys)

Gene: KMT2D (lysine methyltransferase 2D; minus strand). Cytogenetic location: 12q13.12.
Variant type: single nucleotide variant.
Coding change: c.14413G>A on transcript NM_003482.4 (MANE Select); coding-DNA position 14413, G replaced by A.
Protein change: p.Glu4805Lys; replaces glutamic acid 4805 with lysine.
Molecular consequence: missense variant.
Genome position (GRCh38, 1-based): chr12:49,028,111, C>T on the plus strand (G>A on the coding strand, the complement: KMT2D is on the minus strand). VCF-style: chr12-49028111-C-T. GRCh37 (hg19) VCF-style: chr12-49421894-C-T.
Other names: short protein forms E4805K.
Identifiers: ClinVar variation 805009 (VCV000805009.13), dbSNP rs563335387, ClinGen allele CA6545747.